The following is an entry in ClinVar:

NM_144687.4(NLRP12):c.2620G>A (p.Asp874Asn)

Gene: NLRP12 (NLR family pyrin domain containing 12; minus strand). Cytogenetic location: 19q13.42.
Variant type: single nucleotide variant.
Coding change: c.2620G>A on transcript NM_144687.4 (MANE Select); coding-DNA position 2620, G replaced by A.
Protein change: p.Asp874Asn; replaces aspartic acid 874 with asparagine.
Molecular consequence: missense variant.
Genome position (GRCh38, 1-based): chr19:53,801,363, C>T on the plus strand (G>A on the coding strand, the complement: NLRP12 is on the minus strand). VCF-style: chr19-53801363-C-T. GRCh37 (hg19) VCF-style: chr19-54304617-C-T.
Other names: c.2623G>A, p.Asp875Asn (NM_001277126.2); c.2620G>A, p.Asp874Asn (NM_001277129.1); short protein forms D874N, D875N.
Identifiers: ClinVar variation 2102165 (VCV002102165.4), dbSNP rs2514257254, ClinGen allele CA407408694.

ClinVar aggregate classification (germline): Uncertain significance (1 of 4 stars; one submission).

Conditions:
Familial cold autoinflammatory syndrome 2 (FCAS2). Identifiers: Orphanet 247868, MedGen C2673198, MONDO:0012724, OMIM 611762.

Submission:

Labcorp Genetics (formerly Invitae), Labcorp
Classification: Uncertain significance for Familial cold autoinflammatory syndrome 2. Last evaluated: 2022-02-22. Review status: criteria provided, single submitter. Criteria: Invitae Variant Classification Sherloc (09022015). Collection method: clinical testing. Allele origin: germline.
Comment: This variant is not present in population databases (gnomAD no frequency). In summary, the available evidence is currently insufficient to determine the role of this variant in disease. Therefore, it has been classified as a Variant of Uncertain Significance. Algorithms developed to predict the effect of missense changes on protein structure and function are either unavailable or do not agree on the potential impact of this missense change (SIFT: "Deleterious"; PolyPhen-2: "Benign"; Align-GVGD: "Class C0"). This variant has not been reported in the literature in individuals affected with NLRP12-related conditions. This sequence change replaces aspartic acid, which is acidic and polar, with asparagine, which is neutral and polar, at codon 874 of the NLRP12 protein (p.Asp874Asn).